The following is an entry in ClinVar:

ClinVar aggregate classification (germline): Uncertain significance (1 of 4 stars; one submission).

Conditions:
Cystic fibrosis (CF). Also called: MUCOVISCIDOSIS. Identifiers: Orphanet 586, MedGen C0010674, MONDO:0009061, OMIM 219700. Disease mechanism: loss of function.

Submission:

Labcorp Genetics (formerly Invitae), Labcorp
Classification: Uncertain significance for Cystic fibrosis. Last evaluated: 2021-04-06. Review status: criteria provided, single submitter. Criteria: Invitae Variant Classification Sherloc (09022015). Collection method: clinical testing. Allele origin: germline.
Comment: This variant results in a copy number gain of the genomic region encompassing exon(s) 24-27 of the CFTR gene. The 5' boundary is likely confined to intron 23. The 3' end of this event is unknown as it extends beyond the assayed region for this gene and therefore may encompass additional genes. As the precise location of this event is unknown, it may be in tandem or it may be located elsewhere in the genome. This variant has not been reported in the literature in individuals with CFTR-related conditions. Experimental studies and prediction algorithms are not available or were not evaluated, and the functional significance of this variant is currently unknown. In summary, the available evidence is currently insufficient to determine the role of this variant in disease. Therefore, it has been classified as a Variant of Uncertain Significance.

NC_000007.13:g.(?_117292849)_(117307162_?)dup

Gene: CFTR (CF transmembrane conductance regulator; plus strand). Cytogenetic location: 7q31.2.
Variant type: Duplication.
Identifiers: ClinVar variation 2423159 (VCV002423159.2).